The following is an entry in ClinVar:

ClinVar aggregate classification (germline): Uncertain significance. Review status: criteria provided, multiple submitters, no conflicts (2 of 4 stars). 3 submissions from 3 submitters: Uncertain significance (3). Last evaluated 2025-04-02.

Conditions:
Inborn genetic diseases. Identifiers: MedGen C0950123, MeSH D030342.

gnomAD v4.1: 3 of 1,405,544 alleles (0.00021%); highest among the groups gnomAD compares: Non-Finnish European, 0.00029%; no homozygotes.

Submissions (3):

Ambry Genetics
Classification: Uncertain significance for Inborn genetic diseases. Last evaluated: 2025-04-02. Review status: criteria provided, single submitter. Criteria: Ambry Variant Classification Scheme 2023. Collection method: clinical testing. Allele origin: germline.
Comment: The p.K671N variant (also known as c.2013G>C), located in coding exon 19 of the ANKRD26 gene, results from a G to C substitution at nucleotide position 2013. The lysine at codon 671 is replaced by asparagine, an amino acid with similar properties. This amino acid position is conserved. In addition, this alteration is predicted to be tolerated by in silico analysis. Based on the available evidence, the clinical significance of this variant remains unclear.

Labcorp Genetics (formerly Invitae), Labcorp
Classification: Uncertain significance. Last evaluated: 2024-05-23. Review status: criteria provided, single submitter. Criteria: Invitae Variant Classification Sherloc (09022015). Collection method: clinical testing. Allele origin: germline.
Comment: This sequence change replaces lysine, which is basic and polar, with asparagine, which is neutral and polar, at codon 671 of the ANKRD26 protein (p.Lys671Asn). This variant is not present in population databases (gnomAD no frequency). This variant has not been reported in the literature in individuals affected with ANKRD26-related conditions. Algorithms developed to predict the effect of missense changes on protein structure and function output the following: SIFT: "Not Available"; PolyPhen-2: "Benign"; Align-GVGD: "Not Available". The asparagine amino acid residue is found in multiple mammalian species, which suggests that this missense change does not adversely affect protein function. In summary, the available evidence is currently insufficient to determine the role of this variant in disease. Therefore, it has been classified as a Variant of Uncertain Significance.

GeneDx
Classification: Uncertain significance. Last evaluated: 2024-01-03. Review status: criteria provided, single submitter. Criteria: GeneDx Variant Classification Process June 2021. Collection method: clinical testing. Allele origin: germline. Affected: yes.
Comment: Not observed at significant frequency in large population cohorts (gnomAD); In silico analysis supports that this missense variant does not alter protein structure/function; Has not been previously published as pathogenic or benign to our knowledge

NM_014915.3(ANKRD26):c.2013G>C (p.Lys671Asn)

Gene: ANKRD26 (ankyrin repeat domain 26; minus strand). Cytogenetic location: 10p12.1.
Variant type: single nucleotide variant.
Coding change: c.2013G>C on transcript NM_014915.3 (MANE Select); coding-DNA position 2013, G replaced by C.
Protein change: p.Lys671Asn; replaces lysine 671 with asparagine.
Molecular consequence: missense variant.
Genome position (GRCh38, 1-based): chr10:27,044,163, C>G on the plus strand (G>C on the coding strand, the complement: ANKRD26 is on the minus strand). VCF-style: chr10-27044163-C-G. GRCh37 (hg19) VCF-style: chr10-27333092-C-G.
Other names: c.2010G>C, p.Lys670Asn (NM_001256053.2); short protein forms K670N, K671N.
Identifiers: ClinVar variation 3367296 (VCV003367296.4).
Genomic context (GRCh38, chr10:27,044,163, plus strand): 5'-TTTTATAATGTATTTTTTTAAACAATAATTTTGATAATTTATTTTTTACAGTACCTTGTT[C>G]TTTTCATTAGATGTTTTCTTAGTAGGCCTAAAAAAAAAAAATACCTTTCAGGCAAATAGT-3'
Protein context (NP_055730.2, residues 661-681): GRPTKKTSNE[Lys671Asn]NKVKNQIQSM